The following is an entry in ClinVar:

ClinVar aggregate classification (germline): Uncertain significance (1 of 4 stars; one submission).

Allele frequency attached by ClinVar (database versions not stated): gnomAD exomes below 0.00001 and 0.00002; ExAC 0.00001; gnomAD 0.00001 and 0.00002; TOPMed 0.00001; ESP Exome Variant Server 0.00008.
gnomAD v4.1: 7 of 1,613,360 alleles (0.00043%); highest among the groups gnomAD compares: South Asian, 0.0011%; no homozygotes.

Submission:

Labcorp Genetics (formerly Invitae), Labcorp
Classification: Uncertain significance. Last evaluated: 2021-08-31. Review status: criteria provided, single submitter. Criteria: Invitae Variant Classification Sherloc (09022015). Collection method: clinical testing. Allele origin: germline.
Comment: This sequence change replaces arginine with glutamine at codon 1451 of the ATR protein (p.Arg1451Gln). The arginine residue is moderately conserved and there is a small physicochemical difference between arginine and glutamine. This variant is present in population databases (rs371919176, ExAC 0.001%). This variant has not been reported in the literature in individuals affected with ATR-related conditions. Algorithms developed to predict the effect of missense changes on protein structure and function (SIFT, PolyPhen-2, Align-GVGD) all suggest that this variant is likely to be tolerated. In summary, the available evidence is currently insufficient to determine the role of this variant in disease. Therefore, it has been classified as a Variant of Uncertain Significance.

NM_001184.4(ATR):c.4352G>A (p.Arg1451Gln)

Gene: ATR (ATR checkpoint kinase; minus strand). Cytogenetic location: 3q23.
Variant type: single nucleotide variant.
Coding change: c.4352G>A on transcript NM_001184.4 (MANE Select); coding-DNA position 4352, G replaced by A.
Protein change: p.Arg1451Gln; replaces arginine 1451 with glutamine.
Molecular consequence: missense variant.
Genome position (GRCh38, 1-based): chr3:142,519,699, C>T on the plus strand (G>A on the coding strand, the complement: ATR is on the minus strand). VCF-style: chr3-142519699-C-T. GRCh37 (hg19) VCF-style: chr3-142238541-C-T.
Other names: c.4160G>A, p.Arg1387Gln (NM_001354579.2); short protein forms R1387Q, R1451Q.
Identifiers: ClinVar variation 1004922 (VCV001004922.6), dbSNP rs371919176, ClinGen allele CA2649874.